The following is an entry in ClinVar:

ClinVar aggregate classification (germline): Uncertain significance (1 of 4 stars; one submission).

Submission:

Women's Health and Genetics/Laboratory Corporation of America, LabCorp
Classification: Uncertain significance. Last evaluated: 2025-04-30. Review status: criteria provided, single submitter. Criteria: LabCorp Variant Classification Summary - May 2015. Collection method: clinical testing. Allele origin: germline.
Comment: Variant summary: LAMB3 c.1063T>G (p.Cys355Gly) results in a non-conservative amino acid change in the encoded protein sequence. Five of five in-silico tools predict a damaging effect of the variant on protein function. The variant was absent in 251490 control chromosomes. The available data on variant occurrences in the general population are insufficient to allow any conclusion about variant significance. To our knowledge, no occurrence of c.1063T>G in individuals affected with Junctional Epidermolysis Bullosa and no experimental evidence demonstrating its impact on protein function have been reported. A different variant affecting the same codon has been classified as pathogenic by our lab (c.1063T>C, p.Cys355Arg), supporting the critical relevance of codon 355 to LAMB3 protein function. No submitters have cited clinical-significance assessments for this variant to ClinVar. Based on the evidence outlined above, the variant was classified as uncertain significance.

NM_000228.3(LAMB3):c.1063T>G (p.Cys355Gly)

Gene: LAMB3 (laminin subunit beta 3; minus strand). Cytogenetic location: 1q32.2.
Variant type: single nucleotide variant.
Coding change: c.1063T>G on transcript NM_000228.3 (MANE Select); coding-DNA position 1063, T replaced by G.
Protein change: p.Cys355Gly; replaces cysteine 355 with glycine.
Molecular consequence: missense variant.
Genome position (GRCh38, 1-based): chr1:209,629,806, A>C on the plus strand (T>G on the coding strand, the complement: LAMB3 is on the minus strand). VCF-style: chr1-209629806-A-C. GRCh37 (hg19) VCF-style: chr1-209803151-A-C.
Other names: c.1063T>G, p.Cys355Gly (NM_001017402.2, NM_001127641.1); short protein forms C355G.
Identifiers: ClinVar variation 3896663 (VCV003896663.2).